The following is an entry in ClinVar:

NM_001005337.3(PKP1):c.294A>G (p.Ser98=)

Gene: PKP1 (plakophilin 1; plus strand). Cytogenetic location: 1q32.1.
Variant type: single nucleotide variant.
Coding change: c.294A>G on transcript NM_001005337.3 (MANE Select); coding-DNA position 294, A replaced by G.
Protein change: p.Ser98=; no amino-acid change (serine 98 retained).
Molecular consequence: synonymous variant.
Genome position (GRCh38, 1-based): chr1:201,294,033, A>G. VCF-style: chr1-201294033-A-G. GRCh37 (hg19) VCF-style: chr1-201263161-A-G.
Other names: c.294A>G, p.Ser98= (NM_000299.4).
Identifiers: ClinVar variation 786994 (VCV000786994.16), dbSNP rs111264274, ClinGen allele CA1324026.

ClinVar aggregate classification (germline): Benign/Likely benign. Review status: criteria provided, multiple submitters, no conflicts (2 of 4 stars). 5 submissions from 5 submitters: Benign (1); Likely benign (3). 1 of the submissions does not count toward it. Last evaluated 2026-01-17.

Conditions:
Epidermolysis bullosa simplex due to plakophilin deficiency. Also called: MCGRATH SYNDROME. Identifiers: Orphanet 158668, MedGen C1858302, MONDO:0011472, OMIM 604536.
PKP1-related disorder. Also called: PKP1-related condition.

Allele frequency attached by ClinVar (database versions not stated): gnomAD exomes 0.00032; TOPMed 0.00229; gnomAD 0.00264; 1000 Genomes Project 0.00280; ESP Exome Variant Server 0.00300; 1000 Genomes Project 30x 0.00312.
gnomAD v4.1: 890 of 1,606,370 alleles (0.055%); highest among the groups gnomAD compares: African/African-American, 0.79%; 8 homozygotes.

Submissions (5):

Labcorp Genetics (formerly Invitae), Labcorp
Classification: Benign. Last evaluated: 2026-01-17. Review status: criteria provided, single submitter. Criteria: Invitae Variant Classification Sherloc (09022015). Collection method: clinical testing. Allele origin: germline.

Blueprint Genetics
Classification: Likely benign. Last evaluated: 2024-09-23. Review status: criteria provided, single submitter. Criteria: ACMG Guidelines, 2015. Collection method: clinical testing. Allele origin: germline.

Illumina Laboratory Services, Illumina
Classification: Likely benign for Epidermolysis bullosa simplex due to plakophilin deficiency. Last evaluated: 2018-01-12. Review status: criteria provided, single submitter. Criteria: ICSL Variant Classification Criteria 13 December 2019. Collection method: clinical testing. Allele origin: germline.
Comment: This variant was observed in the ICSL laboratory as part of a predisposition screen in an ostensibly healthy population. It had not been previously curated by ICSL or reported in the Human Gene Mutation Database (HGMD: prior to June 1st, 2018), and was therefore a candidate for classification through an automated scoring system. Utilizing variant allele frequency, disease prevalence and penetrance estimates, and inheritance mode, an automated score was calculated to assess if this variant is too frequent to cause the disease. Based on the score and internal cut-off values, a variant classified as likely benign is not then subjected to further curation. The score for this variant resulted in a classification of likely benign for this disease.

Breakthrough Genomics
Classification: Likely benign. Review status: criteria provided, single submitter. Criteria: ACMG Guidelines, 2015. Collection method: not provided. Allele origin: germline. Inheritance: Autosomal recessive inheritance. Affected: yes.

PreventionGenetics, part of Exact Sciences
Classification: Likely benign for PKP1-related condition. Last evaluated: 2024-04-12. Review status: no assertion criteria provided. Collection method: clinical testing. Allele origin: germline. Not counted in ClinVar's aggregate classification.
Comment: This variant is classified as likely benign based on ACMG/AMP sequence variant interpretation guidelines (Richards et al. 2015 PMID: 25741868, with internal and published modifications).